The following is an entry in ClinVar:

NM_032043.3(BRIP1):c.2358T>C (p.Phe786=)

Gene: BRIP1 (BRCA1 interacting DNA helicase 1; minus strand). Cytogenetic location: 17q23.2.
Variant type: single nucleotide variant.
Coding change: c.2358T>C on transcript NM_032043.3 (MANE Select); coding-DNA position 2358, T replaced by C.
Protein change: p.Phe786=; no amino-acid change (phenylalanine 786 retained).
Molecular consequence: synonymous variant.
Genome position (GRCh38, 1-based): chr17:61,743,034, A>G on the plus strand (T>C on the coding strand, the complement: BRIP1 is on the minus strand). VCF-style: chr17-61743034-A-G. GRCh37 (hg19) VCF-style: chr17-59820395-A-G.
Identifiers: ClinVar variation 3379358 (VCV003379358.2).

ClinVar aggregate classification (germline): Benign/Likely benign. Review status: criteria provided, multiple submitters, no conflicts (2 of 4 stars). 2 submissions from 2 submitters: Benign (1); Likely benign (1). Last evaluated 2026-04-05.

Conditions:
Familial cancer of breast. Also called: BREAST CANCER, FAMILIAL; Hereditary breast cancer; hereditary breast carcinoma. Identifiers: Orphanet 227535, MedGen C0346153, MONDO:0016419, OMIM 114480. Disease mechanism: loss of function.
Hereditary cancer-predisposing syndrome. Also called: Neoplastic Syndromes, Hereditary; Tumor predisposition; Hereditary Cancer Syndrome; Hereditary neoplastic syndrome. Identifiers: Orphanet 140162, MedGen C0027672, MeSH D009386, MONDO:0015356.

Submissions (2):

Ambry Genetics
Classification: Likely benign for Hereditary cancer-predisposing syndrome. Last evaluated: 2026-04-05. Review status: criteria provided, single submitter. Criteria: Ambry Variant Classification Scheme 2023. Collection method: clinical testing. Allele origin: germline.

Myriad Genetics, Inc.
Classification: Benign for Familial cancer of breast. Last evaluated: 2024-09-04. Review status: criteria provided, single submitter. Criteria: Myriad Autosomal Dominant, Autosomal Recessive and X-Linked Classification Criteria (2023). Collection method: clinical testing. Allele origin: unknown.
Comment: This variant is considered benign. This variant is a silent/synonymous amino acid change and it is not expected to impact splicing.